The following is an entry in ClinVar:

NM_000787.4(DBH):c.1692_1696del (p.His564fs)

Genes: DBH (dopamine beta-hydroxylase; plus strand), DBH-AS1 (DBH antisense RNA 1; minus strand). Cytogenetic location: 9q34.2.
Variant type: Deletion.
Coding change: c.1692_1696del on transcript NM_000787.4 (MANE Select); coding-DNA positions 1692 to 1696, 5 bases deleted (CTGCA; older notation c.1692_1696delCTGCA).
Protein change: p.His564fs; shifts the reading frame from histidine 564.
Molecular consequence: frameshift variant. On other transcripts: non-coding transcript variant (1).
Genome position (GRCh38, 1-based): chr9:133,657,199-133,657,203, CTGCA deleted; deleting any 5 consecutive bases within chr9:133,657,195-133,657,203 gives the same sequence; the c. name uses the placement nearest the transcript's 3' end. VCF-style (leftmost placement, unchanged base first): chr9-133657194-ATGCAC-A. GRCh37 (hg19) VCF-style: chr9-136522316-ATGCAC-A.
Other names: short protein forms H564fs.
Identifiers: ClinVar variation 1481325 (VCV001481325.3), dbSNP rs1479343647, ClinGen allele CA860780806.

ClinVar aggregate classification (germline): Uncertain significance (1 of 4 stars; one submission).

Conditions:
Orthostatic hypotension 1 (ORTHYP1). Also called: NORADRENALINE DEFICIENCY; NOREPINEPHRINE DEFICIENCY; Dopamine beta-hydroxylase deficiency; Orthostatic hypotension 1, due to DBH deficiency. Identifiers: Orphanet 230, MedGen C4746777, MONDO:0009123, OMIM 223360.

Submission:

Labcorp Genetics (formerly Invitae), Labcorp
Classification: Uncertain significance for Orthostatic hypotension 1. Last evaluated: 2022-10-17. Review status: criteria provided, single submitter. Criteria: Invitae Variant Classification Sherloc (09022015). Collection method: clinical testing. Allele origin: germline.
Comment: This sequence change creates a premature translational stop signal (p.His564Glnfs*11) in the DBH gene. While this is not anticipated to result in nonsense mediated decay, it is expected to disrupt the last 54 amino acid(s) of the DBH protein. This variant is not present in population databases (gnomAD no frequency). This variant has not been reported in the literature in individuals affected with DBH-related conditions. ClinVar contains an entry for this variant (Variation ID: 1481325). Experimental studies and prediction algorithms are not available or were not evaluated, and the functional significance of this variant is currently unknown. In summary, the available evidence is currently insufficient to determine the role of this variant in disease. Therefore, it has been classified as a Variant of Uncertain Significance.